The following is an entry in ClinVar:

NM_198514.4(NHLRC2):c.507A>T (p.Gly169=)

Gene: NHLRC2 (NHL repeat containing 2; plus strand). Cytogenetic location: 10q25.3.
Variant type: single nucleotide variant.
Coding change: c.507A>T on transcript NM_198514.4 (MANE Select); coding-DNA position 507, A replaced by T.
Protein change: p.Gly169=; no amino-acid change (glycine 169 retained).
Molecular consequence: synonymous variant.
Genome position (GRCh38, 1-based): chr10:113,876,696, A>T. VCF-style: chr10-113876696-A-T. GRCh37 (hg19) VCF-style: chr10-115636455-A-T.
Identifiers: ClinVar variation 3048149 (VCV003048149.2), dbSNP rs771623809, ClinGen allele CA5697793.

ClinVar aggregate classification (germline): Likely benign (0 of 4 stars; one submission).

Conditions:
NHLRC2-related disorder. Also called: NHLRC2-related condition.

Allele frequency attached by ClinVar (database versions not stated): TOPMed 0.00002; gnomAD 0.00005; gnomAD exomes 0.00009; ExAC 0.00015.
gnomAD v4.1: 148 of 1,613,846 alleles (0.0092%); highest among the groups gnomAD compares: South Asian, 0.15%; no homozygotes.

Submission:

PreventionGenetics, part of Exact Sciences
Classification: Likely benign for NHLRC2-related condition. Last evaluated: 2019-12-09. Review status: no assertion criteria provided. Collection method: clinical testing. Allele origin: germline.
Comment: This variant is classified as likely benign based on ACMG/AMP sequence variant interpretation guidelines (Richards et al. 2015 PMID: 25741868, with internal and published modifications).